The following is an entry in ClinVar:

ClinVar aggregate classification (germline): Benign (0 of 4 stars; one submission).

Conditions:
TRIM55-related disorder. Also called: TRIM55-related condition.

Allele frequency attached by ClinVar (database versions not stated): gnomAD exomes 0.04521; ExAC 0.04981; 1000 Genomes Project 0.07788; 1000 Genomes Project 30x 0.08026; gnomAD 0.08278; TOPMed 0.08431; ESP Exome Variant Server 0.09103.
gnomAD v4.1: 78,829 of 1,614,004 alleles (4.9%); highest among the groups gnomAD compares: African/African-American, 18%; 2,823 homozygotes.

Submissions (4):

PreventionGenetics, part of Exact Sciences
Classification: Benign for TRIM55-related condition. Last evaluated: 2019-02-22. Review status: no assertion criteria provided. Collection method: clinical testing. Allele origin: germline.
Comment: This variant is classified as benign based on ACMG/AMP sequence variant interpretation guidelines (Richards et al. 2015 PMID: 25741868, with internal and published modifications).

Dr. Peter K. Rogan Lab, Western University
No classification provided (evidence only). Condition: Nonpapillary renal cell carcinoma. Review status: no classification provided. Collection method: in vitro. Allele origin: not applicable. Functional consequence: retained intron. Not counted in ClinVar's aggregate classification.

Dr. Peter K. Rogan Lab, Western University
No classification provided (evidence only). Condition: Uterine carcinosarcoma. Review status: no classification provided. Collection method: in vitro. Allele origin: not applicable. Functional consequence: retained intron. Not counted in ClinVar's aggregate classification.

Dr. Peter K. Rogan Lab, Western University
No classification provided (evidence only). Condition: Uterine carcinosarcoma. Review status: no classification provided. Collection method: in vitro. Allele origin: not applicable. Functional consequence: retained intron. Not counted in ClinVar's aggregate classification.

NM_184085.2(TRIM55):c.867G>A (p.Ser289=)

Gene: TRIM55 (tripartite motif containing 55; plus strand). Cytogenetic location: 8q13.1.
Variant type: single nucleotide variant.
Coding change: c.867G>A on transcript NM_184085.2 (MANE Select); coding-DNA position 867, G replaced by A.
Protein change: p.Ser289=; no amino-acid change (serine 289 retained).
Molecular consequence: synonymous variant. On other transcripts: intron variant (1).
Genome position (GRCh38, 1-based): chr8:66,150,348, G>A. VCF-style: chr8-66150348-G-A. GRCh37 (hg19) VCF-style: chr8-67062583-G-A.
Other names: NC_000008.10:g.67062583G>A; c.867G>A, p.Ser289= (NM_033058.3, NM_184086.2); c.603+13158G>A (NM_184087.2).
Identifiers: ClinVar variation 3058969 (VCV003058969.3), dbSNP rs61738600, ClinGen allele CA4765822.